The following is an entry in ClinVar:

NM_033380.3(COL4A5):c.581T>C (p.Ile194Thr)

Gene: COL4A5 (collagen type IV alpha 5 chain; plus strand). Cytogenetic location: Xq22.3.
Variant type: single nucleotide variant.
Coding change: c.581T>C on transcript NM_033380.3 (MANE Select); coding-DNA position 581, T replaced by C.
Protein change: p.Ile194Thr; replaces isoleucine 194 with threonine.
Molecular consequence: missense variant.
Genome position (GRCh38, 1-based): chrX:108,575,944, T>C. VCF-style: chrX-108575944-T-C. GRCh37 (hg19) VCF-style: chrX-107819174-T-C.
Other names: c.581T>C, p.Ile194Thr (NM_000495.5); c.581T>C (NM_000495.3); short protein forms I194T.
Identifiers: ClinVar variation 3597865 (VCV003597865.3).
Genomic context (GRCh38, chrX:108,575,944, plus strand): 5'-CATTTTCTTTACTCACTTTATAACAGGGCCTACCTGGTCCCACTGGTATACCAGGGCCAA[T>C]TGGTCCCCCAGGACCACCAGGTTTGATGGTAAGCTCTCTTCTTTAATTTAATTTCCCCCC-3'
Protein context (NP_203699.1, residues 184-204): LPGPTGIPGP[Ile194Thr]GPPGPPGLMG

ClinVar aggregate classification (germline): Uncertain significance. Review status: criteria provided, multiple submitters, no conflicts (2 of 4 stars). 3 submissions from 3 submitters: Uncertain significance (3). Last evaluated 2025-12-31.

Conditions:
Inborn genetic diseases. Identifiers: MedGen C0950123, MeSH D030342.
X-linked Alport syndrome (ATS1). Also called: NEPHROPATHY AND DEAFNESS, X-LINKED; COL4A5-Related Nephropathy. Identifiers: Orphanet 63, Orphanet 88917, MedGen C4746986, MONDO:0010520, OMIM 301050.

gnomAD v4.1: 4 of 1,192,705 alleles (0.00034%); highest among the groups gnomAD compares: African/African-American, 0.0035%; no homozygotes.

Submissions (3):

Ambry Genetics
Classification: Uncertain significance for Inborn genetic diseases. Last evaluated: 2025-12-31. Review status: criteria provided, single submitter. Criteria: Ambry Variant Classification Scheme 2023. Collection method: clinical testing. Allele origin: germline.

Labcorp Genetics (formerly Invitae), Labcorp
Classification: Uncertain significance. Last evaluated: 2025-08-30. Review status: criteria provided, single submitter. Criteria: Invitae Variant Classification Sherloc (09022015). Collection method: clinical testing. Allele origin: germline.
Comment: This sequence change replaces isoleucine, which is neutral and non-polar, with threonine, which is neutral and polar, at codon 194 of the COL4A5 protein (p.Ile194Thr). The frequency data for this variant in the population databases is considered unreliable, as metrics indicate poor data quality at this position in the gnomAD database. This variant has not been reported in the literature in individuals affected with COL4A5-related conditions. ClinVar contains an entry for this variant (Variation ID: 3597865). Invitae Evidence Modeling of protein sequence and biophysical properties (such as structural, functional, and spatial information, amino acid conservation, physicochemical variation, residue mobility, and thermodynamic stability) indicates that this missense variant is not expected to disrupt COL4A5 protein function with a negative predictive value of 95%. In summary, the available evidence is currently insufficient to determine the role of this variant in disease. Therefore, it has been classified as a Variant of Uncertain Significance.

Fulgent Genetics
Classification: Uncertain significance for X-linked Alport syndrome. Last evaluated: 2024-05-10. Review status: criteria provided, single submitter. Criteria: ACMG Guidelines, 2015. Collection method: clinical testing. Allele origin: germline.